The following is an entry in ClinVar:

ClinVar aggregate classification (germline): Uncertain significance. Review status: criteria provided, multiple submitters, no conflicts (2 of 4 stars). 2 submissions from 2 submitters: Uncertain significance (2). Last evaluated 2025-11-18.

Allele frequency attached by ClinVar (database versions not stated): gnomAD exomes below 0.00001 and 0.00001; ExAC 0.00001; gnomAD 0.00004 and 0.00005; TOPMed 0.00006.

Submissions (2):

Labcorp Genetics (formerly Invitae), Labcorp
Classification: Uncertain significance. Last evaluated: 2025-11-18. Review status: criteria provided, single submitter. Criteria: Invitae Variant Classification Sherloc (09022015). Collection method: clinical testing. Allele origin: germline.
Comment: This variant, c.1933_1938del, results in the deletion of 2 amino acid(s) of the PDE6B protein (p.Tyr645_Gln646del), but otherwise preserves the integrity of the reading frame. This variant is present in population databases (rs748679882, gnomAD 0.02%). This variant has been observed in individual(s) with autosomal recessive retinitis pigmentosa (PMID: 36284670). In at least one individual the data is consistent with being in trans (on the opposite chromosome) from a pathogenic variant. ClinVar contains an entry for this variant (Variation ID: 940713). Experimental studies and prediction algorithms are not available or were not evaluated, and the functional significance of this variant is currently unknown. In summary, the available evidence is currently insufficient to determine the role of this variant in disease. Therefore, it has been classified as a Variant of Uncertain Significance.

Blueprint Genetics
Classification: Uncertain significance. Last evaluated: 2023-02-14. Review status: criteria provided, single submitter. Criteria: ACMG Guidelines, 2015. Collection method: clinical testing. Allele origin: germline.

Literature cited by the submitters: PubMed 36284670 (cited by Labcorp Genetics (formerly Invitae), Labcorp).

NM_000283.4(PDE6B):c.1933_1938del (p.Tyr645_Gln646del)

Gene: PDE6B (phosphodiesterase 6B; plus strand). Cytogenetic location: 4p16.3.
Variant type: Deletion.
Coding change: c.1933_1938del on transcript NM_000283.4 (MANE Select); coding-DNA positions 1933 to 1938, 6 bases deleted (TACCAG; older notation c.1933_1938delTACCAG).
Protein change: p.Tyr645_Gln646del.
Molecular consequence: inframe deletion.
Genome position (GRCh38, 1-based): chr4:663,782-663,787, TACCAG deleted. VCF-style (leftmost placement, unchanged base first): chr4-663781-CTACCAG-C. GRCh37 (hg19) VCF-style: chr4-657570-CTACCAG-C.
Other names: c.1933_1938del, p.Tyr645_Gln646del (NM_001145291.2); c.1096_1101del, p.Tyr366_Gln367del (NM_001145292.2, NM_001350154.3, NM_001379246.1 and 1 more transcripts); c.778_783del, p.Tyr260_Gln261del (NM_001350155.3).
Identifiers: ClinVar variation 940713 (VCV000940713.8), dbSNP rs748679882, ClinGen allele CA2794783.